The following is an entry in ClinVar:

ClinVar aggregate classification (germline): Conflicting classifications of pathogenicity. Review status: criteria provided, conflicting classifications (1 of 4 stars). 3 submissions from 3 submitters: Uncertain significance (1); Benign (1); Likely benign (1). Last evaluated 2023-08-01.

Allele frequency attached by ClinVar (database versions not stated): ExAC 0.00008; ESP Exome Variant Server 0.00009; TOPMed 0.00009; gnomAD 0.00013 and 0.00014; gnomAD exomes 0.00013; 1000 Genomes Project 30x 0.00021; 1000 Genomes Project 0.00026.

Submissions (4):

CeGaT Center for Human Genetics Tuebingen
Classification: Likely benign. Last evaluated: 2023-08-01. Review status: criteria provided, single submitter. Criteria: CeGaT Center For Human Genetics Tuebingen Variant Classification Criteria Version 2. Collection method: clinical testing. Allele origin: germline. Affected: yes. Observed: 1 variant allele.
Comment: PORCN: BP4, BP7, BS2

Labcorp Genetics (formerly Invitae), Labcorp
Classification: Benign. Last evaluated: 2022-05-22. Review status: criteria provided, single submitter. Criteria: Invitae Variant Classification Sherloc (09022015). Collection method: clinical testing. Allele origin: germline.

Eurofins Ntd Llc (ga)
Classification: Uncertain significance. Last evaluated: 2015-02-16. Review status: criteria provided, single submitter. Criteria: EGL Classification Definitions 2015. Collection method: clinical testing. Allele origin: germline. Observed: 1 variant allele, 1 heterozygote.

Dr. Peter K. Rogan Lab, Western University
No classification provided (evidence only). Condition: Uterine corpus endometrial carcinoma. Review status: no classification provided. Collection method: in vitro. Allele origin: not applicable. Functional consequence: retained intron. Not counted in ClinVar's aggregate classification.

NM_203475.3(PORCN):c.288C>T (p.Gly96=)

Gene: PORCN (porcupine O-acyltransferase; plus strand). Cytogenetic location: Xp11.23.
Variant type: single nucleotide variant.
Coding change: c.288C>T on transcript NM_203475.3 (MANE Select); coding-DNA position 288, C replaced by T.
Protein change: p.Gly96=; no amino-acid change (glycine 96 retained).
Molecular consequence: synonymous variant.
Genome position (GRCh38, 1-based): chrX:48,511,446, C>T. VCF-style: chrX-48511446-C-T. GRCh37 (hg19) VCF-style: chrX-48369834-C-T.
Other names: c.75C>T, p.Gly25= (NM_001282167.2); c.288C>T, p.Gly96= (NM_022825.4, NM_203473.3, NM_203474.1).
Identifiers: ClinVar variation 195444 (VCV000195444.34), dbSNP rs200263603, ClinGen allele CA241868.